The following is an entry in ClinVar:

NM_015338.6(ASXL1):c.2261C>A (p.Thr754Asn)

Gene: ASXL1 (ASXL transcriptional regulator 1; plus strand). Cytogenetic location: 20q11.21.
Variant type: single nucleotide variant.
Coding change: c.2261C>A on transcript NM_015338.6 (MANE Select); coding-DNA position 2261, C replaced by A.
Protein change: p.Thr754Asn; replaces threonine 754 with asparagine.
Molecular consequence: missense variant.
Genome position (GRCh38, 1-based): chr20:32,434,973, C>A. VCF-style: chr20-32434973-C-A. GRCh37 (hg19) VCF-style: chr20-31022776-C-A.
Other names: c.2078C>A, p.Thr693Asn (NM_001363734.1); short protein forms T693N, T754N.
Identifiers: ClinVar variation 3956812 (VCV003956812.1).

ClinVar aggregate classification (germline): Uncertain significance (1 of 4 stars; one submission).

Conditions:
Inborn genetic diseases. Identifiers: MedGen C0950123, MeSH D030342.

gnomAD v4.1: 1 of 1,614,214 alleles (0.000062%); highest among the groups gnomAD compares: Non-Finnish European, 0.000085%; no homozygotes.

Submission:

Ambry Genetics
Classification: Uncertain significance for Inborn genetic diseases. Last evaluated: 2025-05-10. Review status: criteria provided, single submitter. Criteria: Ambry Variant Classification Scheme 2023. Collection method: clinical testing. Allele origin: germline.
Comment: The p.T754N variant (also known as c.2261C>A), located in coding exon 13 of the ASXL1 gene, results from a C to A substitution at nucleotide position 2261. The threonine at codon 754 is replaced by asparagine, an amino acid with similar properties. This amino acid position is conserved. In addition, this alteration is predicted to be tolerated by in silico analysis. Based on the available evidence, the clinical significance of this variant remains unclear.